The following is an entry in ClinVar:

NM_000057.4(BLM):c.3554_3559-116del

Gene: BLM (BLM RecQ like helicase; plus strand). Cytogenetic location: 15q26.1.
Variant type: Deletion.
Coding change: c.3554_3559-116del on transcript NM_000057.4 (MANE Select); coding-DNA position 3554 through 116 bases into the intron before coding-DNA position 3559, 336 bases deleted.
Molecular consequence: splice donor variant. On other transcripts: intron variant (1).
Genome position (GRCh38, 1-based): chr15:90,803,716-90,804,051, 336 bases deleted. GRCh37 (hg19): chr15:91,346,946-91,347,281.
Other names: c.3554_3559-116del (NM_001287246.2); c.2429_2434-116del (NM_001287248.2); c.3358+5379_3359-5086del (NM_001287247.2).
Identifiers: ClinVar variation 2126667 (VCV002126667.4), dbSNP rs2505547946, ClinGen allele CA2580090312.

ClinVar aggregate classification (germline): Likely pathogenic (1 of 4 stars; one submission).

Conditions:
Bloom syndrome (BLM). Also called: Bloom-Torre-Machacek syndrome. Identifiers: Orphanet 125, MedGen C0005859, MONDO:0008876, OMIM 210900.

Submission:

Labcorp Genetics (formerly Invitae), Labcorp
Classification: Likely pathogenic for Bloom syndrome. Last evaluated: 2022-04-16. Review status: criteria provided, single submitter. Criteria: Invitae Variant Classification Sherloc (09022015). Collection method: clinical testing. Allele origin: germline.
Comment: This variant is not present in population databases (gnomAD no frequency). In summary, the currently available evidence indicates that the variant is pathogenic, but additional data are needed to prove that conclusively. Therefore, this variant has been classified as Likely Pathogenic. Algorithms developed to predict the effect of sequence changes on RNA splicing suggest that this variant may disrupt the consensus splice site. This variant has not been reported in the literature in individuals affected with BLM-related conditions. This variant results in the deletion of part of exon 18 (c.3554_3559-116del) of the BLM gene. It is expected to disrupt RNA splicing. Variants that disrupt the donor or acceptor splice site typically lead to a loss of protein function (PMID: 16199547), and loss-of-function variants in BLM are known to be pathogenic (PMID: 17407155).

Literature cited by the submitters: PubMed 16199547; PubMed 17407155.